The following is an entry in ClinVar:

ClinVar aggregate classification (germline): Benign/Likely benign. Review status: criteria provided, multiple submitters, no conflicts (2 of 4 stars). 2 submissions from 2 submitters: Benign (1); Likely benign (1). Last evaluated 2025-02-16.

Conditions:
Leigh syndrome (NULS). Also called: Leigh's necrotizing encephalopathy; Leigh's disease; Leigh Syndrome (mtDNA deletion); Leigh Disease; Subacute necrotizing encephalopathy; Necrotizing encephalopathy infantile subacute of Leigh. Identifiers: Orphanet 506, MedGen C2931891, MONDO:0009723, OMIM 256000.

Submissions (2):

Laboratory of Genetics, Children's Clinical University Hospital Latvia
Classification: Likely benign. Last evaluated: 2025-02-16. Review status: criteria provided, single submitter. Criteria: ACMG Guidelines, 2015. Collection method: clinical testing. Allele origin: germline. Affected: yes.

Wong Mito Lab, Molecular and Human Genetics, Baylor College of Medicine
Classification: Benign for Leigh syndrome. Last evaluated: 2019-10-17. Review status: criteria provided, single submitter. Criteria: Modified ACMG Guidelines (Unpublished). Collection method: clinical testing. Allele origin: germline.
Comment: The NC_012920.1:m.8887A>G (YP_003024031.1:p.Ile121Val) variant in MTATP6 gene is interpretated to be a Benign variant based on the modified ACMG guidelines (unpublished). This variant meets the following evidence codes: BS1, BS2, BP4

NC_012920.1(MT-ATP6):m.8887A>G

Gene: MT-ATP6 (mitochondrially encoded ATP synthase 6; plus strand).
Variant type: single nucleotide variant.
Genome position: chrM-8887-A-G.
Identifiers: ClinVar variation 693014 (VCV000693014.2), dbSNP rs1556423565, ClinGen allele CA414798728.